The following is an entry in ClinVar:

NM_000147.5(FUCA1):c.5G>A (p.Arg2Gln)

Gene: FUCA1 (alpha-L-fucosidase 1; minus strand). Cytogenetic location: 1p36.11.
Variant type: single nucleotide variant.
Coding change: c.5G>A on transcript NM_000147.5 (MANE Select); coding-DNA position 5, G replaced by A.
Protein change: p.Arg2Gln; replaces arginine 2 with glutamine.
Molecular consequence: missense variant. On other transcripts: non-coding transcript variant (4).
Genome position (GRCh38, 1-based): chr1:23,868,282, C>T on the plus strand (G>A on the coding strand, the complement: FUCA1 is on the minus strand). VCF-style: chr1-23868282-C-T. GRCh37 (hg19) VCF-style: chr1-24194772-C-T.
Other names: short protein forms R2Q.
Identifiers: ClinVar variation 2058206 (VCV002058206.3), dbSNP rs1175719570, ClinGen allele CA339011059.

ClinVar aggregate classification (germline): Uncertain significance (1 of 4 stars; one submission).

Conditions:
Fucosidosis. Also called: ALPHA-L-FUCOSIDASE DEFICIENCY. Identifiers: Orphanet 349, MedGen C0016788, MONDO:0009254, OMIM 230000.

Submission:

Labcorp Genetics (formerly Invitae), Labcorp
Classification: Uncertain significance for Fucosidosis. Last evaluated: 2024-01-22. Review status: criteria provided, single submitter. Criteria: Invitae Variant Classification Sherloc (09022015). Collection method: clinical testing. Allele origin: germline.
Comment: This sequence change replaces arginine, which is basic and polar, with glutamine, which is neutral and polar, at codon 2 of the FUCA1 protein (p.Arg2Gln). This variant is not present in population databases (gnomAD no frequency). This variant has not been reported in the literature in individuals affected with FUCA1-related conditions. ClinVar contains an entry for this variant (Variation ID: 2058206). An algorithm developed to predict the effect of missense changes on protein structure and function (PolyPhen-2) suggests that this variant is likely to be disruptive. In summary, the available evidence is currently insufficient to determine the role of this variant in disease. Therefore, it has been classified as a Variant of Uncertain Significance.